The following is an entry in ClinVar:

ClinVar aggregate classification (germline): Uncertain significance (1 of 4 stars; one submission).

Submission:

Labcorp Genetics (formerly Invitae), Labcorp
Classification: Uncertain significance. Last evaluated: 2022-06-27. Review status: criteria provided, single submitter. Criteria: Invitae Variant Classification Sherloc (09022015). Collection method: clinical testing. Allele origin: germline.
Comment: In summary, the available evidence is currently insufficient to determine the role of this variant in disease. Therefore, it has been classified as a Variant of Uncertain Significance. Algorithms developed to predict the effect of missense changes on protein structure and function (SIFT, PolyPhen-2, Align-GVGD) all suggest that this variant is likely to be tolerated. ClinVar contains an entry for this variant (Variation ID: 1005105). This variant has not been reported in the literature in individuals affected with TRPM1-related conditions. This variant is not present in population databases (gnomAD no frequency). This sequence change replaces asparagine, which is neutral and polar, with lysine, which is basic and polar, at codon 459 of the TRPM1 protein (p.Asn459Lys).

NM_001252024.2(TRPM1):c.1443T>A (p.Asn481Lys)

Gene: TRPM1 (transient receptor potential cation channel subfamily M member 1; minus strand). Cytogenetic location: 15q13.3.
Variant type: single nucleotide variant.
Coding change: c.1443T>A on transcript NM_001252024.2 (MANE Select); coding-DNA position 1443, T replaced by A.
Protein change: p.Asn481Lys; replaces asparagine 481 with lysine.
Molecular consequence: missense variant.
Genome position (GRCh38, 1-based): chr15:31,049,504, A>T on the plus strand (T>A on the coding strand, the complement: TRPM1 is on the minus strand). VCF-style: chr15-31049504-A-T. GRCh37 (hg19) VCF-style: chr15-31341707-A-T.
Other names: c.1494T>A, p.Asn498Lys (NM_001252020.2); c.1377T>A, p.Asn459Lys (NM_002420.6); short protein forms N459K, N481K, N498K.
Identifiers: ClinVar variation 1005105 (VCV001005105.8), dbSNP rs2033883034, ClinGen allele CA391517159.